The following is an entry in ClinVar:

NM_001385079.1(PDE10A):c.2649T>G (p.Ser883Arg)

Gene: PDE10A (phosphodiesterase 10A; minus strand). Cytogenetic location: 6q27.
Variant type: single nucleotide variant.
Coding change: c.2649T>G on transcript NM_001385079.1 (MANE Select); coding-DNA position 2649, T replaced by G.
Protein change: p.Ser883Arg; replaces serine 883 with arginine.
Molecular consequence: missense variant.
Genome position (GRCh38, 1-based): chr6:165,379,328, A>C on the plus strand (T>G on the coding strand, the complement: PDE10A is on the minus strand). VCF-style: chr6-165379328-A-C. GRCh37 (hg19) VCF-style: chr6-165792817-A-C.
Other names: c.1851T>G, p.Ser617Arg (NM_001130690.3); c.1821T>G, p.Ser607Arg (NM_006661.4); short protein forms S607R, S617R, S883R.
Identifiers: ClinVar variation 1481152 (VCV001481152.8), dbSNP rs1784797883, ClinGen allele CA366392522.

ClinVar aggregate classification (germline): Uncertain significance (1 of 4 stars; one submission).

Allele frequency attached by ClinVar (database versions not stated): TOPMed below 0.00001.

Submission:

Labcorp Genetics (formerly Invitae), Labcorp
Classification: Uncertain significance. Last evaluated: 2022-09-01. Review status: criteria provided, single submitter. Criteria: Invitae Variant Classification Sherloc (09022015). Collection method: clinical testing. Allele origin: germline.
Comment: ClinVar contains an entry for this variant (Variation ID: 1481152). This variant has not been reported in the literature in individuals affected with PDE10A-related conditions. This variant is not present in population databases (gnomAD no frequency). This sequence change replaces serine, which is neutral and polar, with arginine, which is basic and polar, at codon 617 of the PDE10A protein (p.Ser617Arg). Algorithms developed to predict the effect of missense changes on protein structure and function (SIFT, PolyPhen-2, Align-GVGD) all suggest that this variant is likely to be tolerated. In summary, the available evidence is currently insufficient to determine the role of this variant in disease. Therefore, it has been classified as a Variant of Uncertain Significance.